The following is an entry in ClinVar:

NM_000255.4(MMUT):c.1722_1723del (p.Glu575fs)

Gene: MMUT (methylmalonyl-CoA mutase; minus strand). Cytogenetic location: 6p12.3.
Variant type: Deletion.
Coding change: c.1722_1723del on transcript NM_000255.4 (MANE Select); coding-DNA positions 1722 to 1723, 2 bases deleted (TG; older notation c.1722_1723delTG).
Protein change: p.Glu575fs; shifts the reading frame from glutamic acid 575.
Molecular consequence: frameshift variant.
Genome position (GRCh38, 1-based): chr6:49,441,925-49,441,926, CA deleted on the plus strand (TG on the coding strand, the reverse complement: MMUT is on the minus strand); deleting any 2 consecutive bases within chr6:49,441,925-49,441,927 gives the same sequence; the c. name uses the placement nearest the transcript's 3' end. VCF-style (leftmost placement, unchanged base first): chr6-49441924-TCA-T. GRCh37 (hg19) VCF-style: chr6-49409637-TCA-T.
Other names: short protein forms E575fs.
Identifiers: ClinVar variation 1725143 (VCV001725143.2), dbSNP rs2481314947, ClinGen allele CA2580074711.

ClinVar aggregate classification (germline): Likely pathogenic (1 of 4 stars; one submission).

Conditions:
Methylmalonic aciduria due to methylmalonyl-CoA mutase deficiency (MAMM). Also called: Methylmalonic aciduria, mut type. Identifiers: Orphanet 27, MedGen C1855114, MONDO:0009612, OMIM 251000.

Submission:

Myriad Genetics, Inc.
Classification: Likely pathogenic for Methylmalonic aciduria due to methylmalonyl-CoA mutase deficiency. Last evaluated: 2022-03-09. Review status: criteria provided, single submitter. Criteria: Myriad Women's Health Autosomal Recessive and X-Linked Classification Criteria (2021). Collection method: clinical testing. Allele origin: unknown.
Comment: NM_000255.3(MMUT):c.1722_1723delTG(E575Tfs*2) is expected to be pathogenic in the context of methylmalonic acidemia, MMUT-related. This variant is predicted to lead to an abnormal or absent protein product due to the creation of a premature termination codon in MMUT, a gene where loss-of-function variants are known to be pathogenic. Please note: this variant was assessed in the context of healthy population screening.